The following is an entry in ClinVar:

NM_001039876.3(SYNE4):c.733A>T (p.Thr245Ser)

Gene: SYNE4 (spectrin repeat containing nuclear envelope family member 4; minus strand). Cytogenetic location: 19q13.12.
Variant type: single nucleotide variant.
Coding change: c.733A>T on transcript NM_001039876.3 (MANE Select); coding-DNA position 733, A replaced by T.
Protein change: p.Thr245Ser; replaces threonine 245 with serine.
Molecular consequence: missense variant.
Genome position (GRCh38, 1-based): chr19:36,006,557, T>A on the plus strand (A>T on the coding strand, the complement: SYNE4 is on the minus strand). VCF-style: chr19-36006557-T-A. GRCh37 (hg19) VCF-style: chr19-36497459-T-A.
Other names: c.394A>T, p.Thr132Ser (NM_001297735.3); short protein forms T245S, T132S.
Identifiers: ClinVar variation 4700066 (VCV004700066.1).

ClinVar aggregate classification (germline): Uncertain significance (1 of 4 stars; one submission).

Submission:

Labcorp Genetics (formerly Invitae), Labcorp
Classification: Uncertain significance. Last evaluated: 2025-05-03. Review status: criteria provided, single submitter. Criteria: Invitae Variant Classification Sherloc (09022015). Collection method: clinical testing. Allele origin: germline.
Comment: This sequence change replaces threonine, which is neutral and polar, with serine, which is neutral and polar, at codon 245 of the SYNE4 protein (p.Thr245Ser). This variant is not present in population databases (gnomAD no frequency). This variant has not been reported in the literature in individuals affected with SYNE4-related conditions. Invitae Evidence Modeling of protein sequence and biophysical properties (such as structural, functional, and spatial information, amino acid conservation, physicochemical variation, residue mobility, and thermodynamic stability) indicates that this missense variant is not expected to disrupt SYNE4 protein function with a negative predictive value of 80%. In summary, the available evidence is currently insufficient to determine the role of this variant in disease. Therefore, it has been classified as a Variant of Uncertain Significance.